The following is an entry in ClinVar:

ClinVar aggregate classification (germline): Uncertain significance (1 of 4 stars; one submission).

Conditions:
Chuvash polycythemia. Also called: POLYCYTHEMIA, VHL-DEPENDENT. Identifiers: Orphanet 238557, MedGen C1837915, MONDO:0009892, OMIM 263400.
Von Hippel-Lindau syndrome (VHLS). Also called: von Hippel–Lindau syndrome; Von Hippel-Lindau; VHL syndrome. Identifiers: Orphanet 892, MedGen C0019562, MONDO:0008667, OMIM 193300. Disease mechanism: loss of function.

Submission:

Labcorp Genetics (formerly Invitae), Labcorp
Classification: Uncertain significance for Von Hippel-Lindau syndrome; Chuvash polycythemia. Last evaluated: 2022-02-23. Review status: criteria provided, single submitter. Criteria: Invitae Variant Classification Sherloc (09022015). Collection method: clinical testing. Allele origin: germline.
Comment: In summary, the available evidence is currently insufficient to determine the role of this variant in disease. Therefore, it has been classified as a Variant of Uncertain Significance. Algorithms developed to predict the effect of sequence changes on RNA splicing suggest that this variant is not likely to affect RNA splicing. This variant has not been reported in the literature in individuals affected with VHL-related conditions. This variant is not present in population databases (gnomAD no frequency). This sequence change falls in intron 1 of the VHL gene. It is not expected to change the encoded amino acid sequence of the VHL protein. However, this sequence change falls within a cryptic exon in the VHL gene, known as exon E1’, which is naturally expressed at low levels in several human tissues (PMID: 29891534).

Literature cited by the submitters: PubMed 29891534.

NM_000551.4(VHL):c.340+797G>C

Genes: VHL (von Hippel-Lindau tumor suppressor; plus strand), LOC107303340 (3p25 von Hippel-Lindau tumor suppressor, E3 ubiquitin protein ligase Alu-mediated recombination region; plus strand). Cytogenetic location: 3p25.3.
Variant type: single nucleotide variant.
Coding change: c.340+797G>C on transcript NM_000551.4 (MANE Select); 797 bases into the intron after coding-DNA position 340, G replaced by C.
Molecular consequence: intron variant. On other transcripts: missense variant (1).
Genome position (GRCh38, 1-based): chr3:10,142,984, G>C. VCF-style: chr3-10142984-G-C. GRCh37 (hg19) VCF-style: chr3-10184668-G-C.
Other names: c.562G>C, p.Glu188Gln (NM_001354723.2); c.340+797G>C (NM_198156.3); short protein forms E188Q.
Identifiers: ClinVar variation 1402500 (VCV001402500.8), dbSNP rs1696164222, ClinGen allele CA2573136143.